The following is an entry in ClinVar:

ClinVar aggregate classification (germline): Uncertain significance (1 of 4 stars; one submission).

Conditions:
POLD1-related polyposis and colorectal cancer syndrome (CRCS10). Also called: Colorectal cancer 10; COLORECTAL CANCER, SUSCEPTIBILITY TO, ON CHROMOSOME 19q; Colorectal cancer, susceptibility to, 10. Identifiers: Orphanet 220460, MedGen C2675481, MONDO:0012953, OMIM 612591.

Submission:

Labcorp Genetics (formerly Invitae), Labcorp
Classification: Uncertain significance for POLD1-related polyposis and colorectal cancer syndrome. Last evaluated: 2018-02-15. Review status: criteria provided, single submitter. Criteria: Invitae Variant Classification Sherloc (09022015). Collection method: clinical testing. Allele origin: germline.
Comment: In summary, the available evidence is currently insufficient to determine the role of this variant in disease. Therefore, it has been classified as a Variant of Uncertain Significance. Algorithms developed to predict the effect of missense changes on protein structure and function do not agree on the potential impact of this missense change (SIFT: "Tolerated"; PolyPhen-2: "Probably Damaging"; Align-GVGD: "Class C0"). This variant has not been reported in the literature in individuals with POLD1-related disease. This variant is not present in population databases (ExAC no frequency). This sequence change replaces alanine with proline at codon 221 of the POLD1 protein (p.Ala221Pro). The alanine residue is moderately conserved and there is a small physicochemical difference between alanine and proline.

NM_002691.4(POLD1):c.661G>C (p.Ala221Pro)

Gene: POLD1 (DNA polymerase delta 1, catalytic subunit; plus strand). Cytogenetic location: 19q13.33.
Variant type: single nucleotide variant.
Coding change: c.661G>C on transcript NM_002691.4 (MANE Select); coding-DNA position 661, G replaced by C.
Protein change: p.Ala221Pro; replaces alanine 221 with proline.
Molecular consequence: missense variant. On other transcripts: non-coding transcript variant (1).
Genome position (GRCh38, 1-based): chr19:50,402,276, G>C. VCF-style: chr19-50402276-G-C. GRCh37 (hg19) VCF-style: chr19-50905533-G-C.
Other names: c.661G>C, p.Ala221Pro (NM_001256849.1, NM_001308632.1); short protein forms A221P.
Identifiers: ClinVar variation 580222 (VCV000580222.8), dbSNP rs1023405690, ClinGen allele CA406974200.